The following is an entry in ClinVar:

ClinVar aggregate classification (germline): Uncertain significance (1 of 4 stars; one submission).

Conditions:
ARID1B-Related Disorder. Identifiers: MedGen CN381337.

Submission:

PreventionGenetics, part of Exact Sciences
Classification: Uncertain significance for ARID1B-related condition. Last evaluated: 2022-12-01. Review status: criteria provided, single submitter. Criteria: ACMG Guidelines, 2015. Collection method: clinical testing. Allele origin: germline.
Comment: The ARID1B c.1623G>T variant is predicted to result in the amino acid substitution p.Gln541His. This variant can also be referred to as c.1872G>T, p.Gln624His with an alternative transcript (NM_001374820.1). To our knowledge, this variant has not been reported in the literature or in a large population database, indicating this variant is rare. At this time, the clinical significance of this variant is uncertain due to the absence of conclusive functional and genetic evidence.

NM_001374828.1(ARID1B):c.1872G>T (p.Gln624His)

Gene: ARID1B (AT-rich interaction domain 1B; plus strand). Cytogenetic location: 6q25.3.
Variant type: single nucleotide variant.
Coding change: c.1872G>T on transcript NM_001374828.1 (MANE Select); coding-DNA position 1872, G replaced by T.
Protein change: p.Gln624His; replaces glutamine 624 with histidine.
Molecular consequence: missense variant.
Genome position (GRCh38, 1-based): chr6:156,829,307, G>T. VCF-style: chr6-156829307-G-T. GRCh37 (hg19) VCF-style: chr6-157150441-G-T.
Other names: c.1623G>T, p.Gln541His (NM_001346813.1, NM_020732.3); c.1872G>T, p.Gln624His (NM_001371656.1, NM_001374820.1, NM_017519.3); c.1449G>T, p.Gln483His (NM_175863.2); short protein forms Q483H, Q541H, Q624H.
Identifiers: ClinVar variation 2635231 (VCV002635231.1), dbSNP rs1240706895, ClinGen allele CA366384083.